The following is an entry in ClinVar:

NM_006393.3(NEBL):c.755C>T (p.Ala252Val)

Gene: NEBL (nebulette; minus strand). Cytogenetic location: 10p12.31.
Variant type: single nucleotide variant.
Coding change: c.755C>T on transcript NM_006393.3 (MANE Select); coding-DNA position 755, C replaced by T.
Protein change: p.Ala252Val; replaces alanine 252 with valine.
Molecular consequence: missense variant. On other transcripts: intron variant (9).
Genome position (GRCh38, 1-based): chr10:20,859,756, G>A on the plus strand (C>T on the coding strand, the complement: NEBL is on the minus strand). VCF-style: chr10-20859756-G-A. GRCh37 (hg19) VCF-style: chr10-21148685-G-A.
Other names: c.250-46816C>T (NM_001377326.1, NM_001377327.1, NM_001377328.1); c.358-46816C>T (NM_213569.2, NM_001173484.2, NM_001377322.1); c.301-46816C>T (NM_001377324.1); c.292-46816C>T (NM_001377325.1); c.310-46816C>T (NM_001377323.1); short protein forms A252V.
Identifiers: ClinVar variation 1446922 (VCV001446922.8), dbSNP rs2131146354, ClinGen allele CA376102325.

ClinVar aggregate classification (germline): Uncertain significance (1 of 4 stars; one submission).

Conditions:
Primary dilated cardiomyopathy (DCM). Also called: Dilated Cardiomyopathy. Identifiers: Orphanet 217604, MedGen C0007193, MeSH D002311, MONDO:0005021, HP:0001644. Inheritance: Various modes of inheritance.

Submission:

Labcorp Genetics (formerly Invitae), Labcorp
Classification: Uncertain significance for Primary dilated cardiomyopathy. Last evaluated: 2021-05-31. Review status: criteria provided, single submitter. Criteria: Invitae Variant Classification Sherloc (09022015). Collection method: clinical testing. Allele origin: germline.
Comment: In summary, the available evidence is currently insufficient to determine the role of this variant in disease. Therefore, it has been classified as a Variant of Uncertain Significance. Algorithms developed to predict the effect of missense changes on protein structure and function output the following: SIFT: "Tolerated"; PolyPhen-2: "Benign"; Align-GVGD: "Class C0". The valine amino acid residue is found in multiple mammalian species, suggesting that this missense change does not adversely affect protein function. These predictions have not been confirmed by published functional studies and their clinical significance is uncertain. This variant has not been reported in the literature in individuals with NEBL-related conditions. This variant is not present in population databases (ExAC no frequency). This sequence change replaces alanine with valine at codon 252 of the NEBL protein (p.Ala252Val). The alanine residue is moderately conserved and there is a small physicochemical difference between alanine and valine.